The following is an entry in ClinVar:

ClinVar aggregate classification (germline): Benign. Review status: criteria provided, multiple submitters, no conflicts (2 of 4 stars). 8 submissions from 8 submitters: Benign (7). 1 of the submissions does not count toward it. Last evaluated 2026-02-04.

Conditions:
Congenital malabsorptive diarrhea 4. Also called: ENTERIC ANENDOCRINOSIS; DIARRHEA 4, MALABSORPTIVE, CONGENITAL, WITH DIABETES MELLITUS AND COMBINED PITUITARY HORMONE DEFICIENCY. Identifiers: Orphanet 83620, MedGen C1835888, MONDO:0012479, OMIM 610370, HP:6001346.

Allele frequency attached by ClinVar (database versions not stated): 1000 Genomes Project 0.42991; 1000 Genomes Project 30x 0.43161; TOPMed 0.53102; gnomAD 0.54682 and 0.55018; gnomAD exomes 0.56085 and 0.63471; ExAC 0.58598; ESP Exome Variant Server 0.58775.

Submissions (8):

Labcorp Genetics (formerly Invitae), Labcorp
Classification: Benign. Last evaluated: 2026-02-04. Review status: criteria provided, single submitter. Criteria: Invitae Variant Classification Sherloc (09022015). Collection method: clinical testing. Allele origin: germline.

Blueprint Genetics
Classification: Benign. Last evaluated: 2024-11-27. Review status: criteria provided, single submitter. Criteria: ACMG Guidelines, 2015. Collection method: clinical testing. Allele origin: germline.

Mayo Clinic Laboratories, Mayo Clinic
Classification: Benign. Last evaluated: 2023-08-22. Review status: criteria provided, single submitter. Criteria: ACMG Guidelines, 2015. Collection method: clinical testing. Allele origin: germline. Observed: 78 variant alleles.
Comment: BA1, BS2, BP4

Genome-Nilou Lab
Classification: Benign for Congenital malabsorptive diarrhea 4. Last evaluated: 2021-09-05. Review status: criteria provided, single submitter. Criteria: ACMG Guidelines, 2015. Collection method: clinical testing. Allele origin: germline. Affected: no.

GeneDx
Classification: Benign. Last evaluated: 2021-06-09. Review status: criteria provided, single submitter. Criteria: GeneDx Variant Classification Process June 2021. Collection method: clinical testing. Allele origin: germline. Affected: yes.
Comment: This variant is associated with the following publications: (PMID: 11206403, 17146417)

Laboratory for Molecular Medicine, Mass General Brigham Personalized Medicine
Classification: Benign. Last evaluated: 2016-03-29. Review status: criteria provided, single submitter. Criteria: LMM Criteria. Collection method: clinical testing. Allele origin: germline.
Comment: Variant identified in a genome or exome case(s) and assessed due to predicted null impact of the variant or pathogenic assertions in the literature or databases. Disclaimer: This variant has not undergone full assessment. The following are preliminary notes: Frequency

Breakthrough Genomics
Classification: Benign. Review status: criteria provided, single submitter. Criteria: ACMG Guidelines, 2015. Collection method: not provided. Allele origin: germline. Inheritance: Autosomal recessive inheritance. Affected: yes.

Genetic Services Laboratory, University of Chicago
Classification: Likely benign for AllHighlyPenetrant. Review status: no assertion criteria provided. Collection method: clinical testing. Allele origin: germline. Inheritance: Autosomal recessive inheritance. Not counted in ClinVar's aggregate classification.
Comment: Likely benign based on allele frequency in 1000 Genomes Project or ESP global frequency and its presence in a patient with a rare or unrelated disease phenotype. NOT Sanger confirmed.

Literature cited by the submitters: PubMed 11206403 (cited by Mayo Clinic Laboratories, Mayo Clinic).

NM_020999.4(NEUROG3):c.596T>C (p.Phe199Ser)

Gene: NEUROG3 (neurogenin 3; minus strand). Cytogenetic location: 10q22.1.
Variant type: single nucleotide variant.
Coding change: c.596T>C on transcript NM_020999.4 (MANE Select); coding-DNA position 596, T replaced by C.
Protein change: p.Phe199Ser; replaces phenylalanine 199 with serine.
Molecular consequence: missense variant.
Genome position (GRCh38, 1-based): chr10:69,572,448, A>G on the plus strand (T>C on the coding strand, the complement: NEUROG3 is on the minus strand). VCF-style: chr10-69572448-A-G. GRCh37 (hg19) VCF-style: chr10-71332204-A-G.
Other names: short protein forms F199S.
Identifiers: ClinVar variation 129765 (VCV000129765.24), dbSNP rs4536103, ClinGen allele CA154059.